The following is an entry in ClinVar:

ClinVar aggregate classification (germline): Likely benign. Review status: criteria provided, multiple submitters, no conflicts (2 of 4 stars). 2 submissions from 2 submitters: Likely benign (2). Last evaluated 2025-02-26.

Conditions:
Multiple endocrine neoplasia type 2A. Also called: MULTIPLE ENDOCRINE NEOPLASIA, TYPE IIA; PTC SYNDROME; SIPPLE SYNDROME; MEN 2A; MEN-2A syndrome; Pheochromocytoma and amyloid producing medullary thyroid carcinoma. Identifiers: Orphanet 247698, Orphanet 653, MedGen C0025268, MeSH D018813, MONDO:0008234, OMIM 171400.
Multiple endocrine neoplasia, type 2 (MEN2). Identifiers: Orphanet 653, MedGen C4048306, MONDO:0019003. Disease mechanism: gain of function.

Submissions (2):

Myriad Genetics, Inc.
Classification: Likely benign for Multiple endocrine neoplasia type 2A. Last evaluated: 2025-02-26. Review status: criteria provided, single submitter. Criteria: Myriad Autosomal Dominant, Autosomal Recessive and X-Linked Classification Criteria (2023). Collection method: clinical testing. Allele origin: unknown.
Comment: This variant is considered likely benign. This variant is intronic and is not expected to impact mRNA splicing.

Labcorp Genetics (formerly Invitae), Labcorp
Classification: Likely benign for Multiple endocrine neoplasia, type 2. Last evaluated: 2019-11-27. Review status: criteria provided, single submitter. Criteria: Invitae Variant Classification Sherloc (09022015). Collection method: clinical testing. Allele origin: germline.

NM_020975.6(RET):c.2393-8G>C

Gene: RET (ret proto-oncogene; plus strand). Cytogenetic location: 10q11.21.
Variant type: single nucleotide variant.
Coding change: c.2393-8G>C on transcript NM_020975.6 (MANE Select); 8 bases into the intron before coding-DNA position 2393, G replaced by C.
Molecular consequence: intron variant.
Genome position (GRCh38, 1-based): chr10:43,119,523, G>C. VCF-style: chr10-43119523-G-C. GRCh37 (hg19) VCF-style: chr10-43614971-G-C.
Other names: c.1667-8G>C (NM_001406778.1, NM_001406775.1, NM_001406776.1 and 1 more transcripts); c.1208-8G>C (NM_001406790.1, NM_001406788.1, NM_001406789.1); c.1088-8G>C (NM_001406791.1); c.1403-8G>C (NM_001406784.1); c.944-8G>C (NM_001406794.1, NM_001406792.1, NM_001406793.1); c.1631-8G>C (NM_001355216.2); c.2105-8G>C (NM_001406767.1, NM_001406770.1, NM_001406766.1); c.2393-8G>C (NM_020630.7, NM_001406743.1, NM_001406744.1 and 2 more transcripts); and 10 more.
Identifiers: ClinVar variation 1104111 (VCV001104111.11), dbSNP rs376151644, ClinGen allele CA2499220238.